The following is an entry in ClinVar:

ClinVar aggregate classification (germline): Uncertain significance. Review status: criteria provided, multiple submitters, no conflicts (2 of 4 stars). 3 submissions from 3 submitters: Uncertain significance (3). Last evaluated 2025-11-25.

Conditions:
Autosomal recessive limb-girdle muscular dystrophy type 2J (LGMDR10). Also called: Limb-girdle muscular dystrophy, type 2J; MUSCULAR DYSTROPHY, LIMB-GIRDLE, AUTOSOMAL RECESSIVE 10. Identifiers: Orphanet 140922, MedGen C1837342, MONDO:0012127, OMIM 608807.
Dilated cardiomyopathy 1G (CMD1G). Identifiers: Orphanet 154, MedGen C1858763, MONDO:0011400, OMIM 604145.

Allele frequency attached by ClinVar (database versions not stated): gnomAD 0.00003 and 0.00004; gnomAD exomes 0.00003 and 0.00004; TOPMed 0.00003; ExAC 0.00004.
gnomAD v4.1: 48 of 1,613,336 alleles (0.003%); highest among the groups gnomAD compares: African/African-American, 0.0067%; no homozygotes.

Submissions (3):

Women's Health and Genetics/Laboratory Corporation of America, LabCorp
Classification: Uncertain significance. Last evaluated: 2025-11-25. Review status: criteria provided, single submitter. Criteria: LabCorp Variant Classification Summary - May 2015. Collection method: clinical testing. Allele origin: germline.
Comment: Variant summary: TTN c.83638C>T (p.Arg27880Cys) results in a non-conservative amino acid change in the encoded protein sequence. Algorithms developed to predict the effect of missense changes on protein structure and function are either unavailable or do not agree on the potential impact of this missense change. The variant allele was found at a frequency of 4e-05 in 248540 control chromosomes (gnomAD). This frequency is not significantly higher than estimated for disease-causing variants in TTN, allowing no conclusion about variant significance. To our knowledge, no occurrence of c.83638C>T in individuals affected with TTN-related conditions and no experimental evidence demonstrating its impact on protein function have been reported. ClinVar contains an entry for this variant (Variation ID: 467636). Based on the evidence outlined above, the variant was classified as uncertain significance.

Athena Diagnostics
Classification: Uncertain significance. Last evaluated: 2024-09-04. Review status: criteria provided, single submitter. Criteria: Athena Diagnostics Criteria. Collection method: clinical testing. Allele origin: unknown.
Comment: Available data are insufficient to determine the clinical significance of the variant at this time. The frequency of this variant in the general population is uninformative in assessment of its pathogenicity. Polyphen and MutationTaster yielded discordant predictions regarding whether this amino acid change is damaging to the protein.

Labcorp Genetics (formerly Invitae), Labcorp
Classification: Uncertain significance for Dilated cardiomyopathy 1G; Autosomal recessive limb-girdle muscular dystrophy type 2J. Last evaluated: 2017-03-23. Review status: criteria provided, single submitter. Criteria: Invitae Variant Classification Sherloc (09022015). Collection method: clinical testing. Allele origin: germline.

NM_001267550.2(TTN):c.91342C>T (p.Arg30448Cys)

Genes: TTN (titin; minus strand), TTN-AS1 (TTN antisense RNA 1; plus strand). Cytogenetic location: 2q31.2.
Variant type: single nucleotide variant.
Coding change: c.91342C>T on transcript NM_001267550.2 (MANE Select); coding-DNA position 91342, C replaced by T.
Protein change: p.Arg30448Cys; replaces arginine 30448 with cysteine.
Molecular consequence: missense variant.
Genome position (GRCh38, 1-based): chr2:178,551,189, G>A on the plus strand (C>T on the coding strand, the complement: TTN is on the minus strand). VCF-style: chr2-178551189-G-A. GRCh37 (hg19) VCF-style: chr2-179415916-G-A.
Other names: c.91342C>T (NM_001267550.1); c.86419C>T, p.Arg28807Cys (NM_001256850.1); c.64147C>T, p.Arg21383Cys (NM_003319.4); c.83638C>T, p.Arg27880Cys (NM_133378.4); c.64522C>T, p.Arg21508Cys (NM_133432.3); c.64723C>T, p.Arg21575Cys (NM_133437.4); short protein forms R30448C, R21383C, R21575C, R28807C, R21508C, R27880C.
Identifiers: ClinVar variation 467636 (VCV000467636.5), dbSNP rs756030714, ClinGen allele CA1987644.
Genomic context (GRCh38, chr2:178,551,189, plus strand): 5'-AGCGTTCATTTCCTTGCCGTTTCTCAATGCTATAGCCCACAATCTTACTGCCTCCATCAC[G>A]CAATGGTGGGTTCCATTTAAGTGTGATGGTTTCCCGGGTGACATCAATGTAGTCAGGAGT-3'
Protein context (NP_001254479.2, residues 30438-30458): TITLKWNPPL[Arg30448Cys]DGGSKIVGYS